The following is an entry in ClinVar:

NM_000338.3(SLC12A1):c.1419del (p.Glu473fs)

Gene: SLC12A1 (solute carrier family 12 member 1; plus strand). Cytogenetic location: 15q21.1.
Variant type: Deletion.
Coding change: c.1419del on transcript NM_000338.3 (MANE Select); coding-DNA position 1419, one base deleted (A; older notation c.1419delA).
Protein change: p.Glu473fs; shifts the reading frame from glutamic acid 473.
Molecular consequence: frameshift variant.
Genome position (GRCh38, 1-based): chr15:48,244,871, A deleted; the last of 2 consecutive A bases (chr15:48,244,870-48,244,871); deleting either gives the same sequence. VCF-style (leftmost placement, unchanged base first): chr15-48244869-GA-G. GRCh37 (hg19) VCF-style: chr15-48537066-GA-G.
Other names: c.1419del, p.Glu473fs (NM_001184832.2, NM_001384136.1); short protein forms E473fs.
Identifiers: ClinVar variation 2760861 (VCV002760861.3), dbSNP rs2505080056, ClinGen allele CA2697549040.
Genomic context (GRCh38, chr15:48,244,869, plus strand): 5'-ATGAACTGCAATGGTTCAGCAGCATGTGGGTTGGGCTATGACTTCTCAAGATGTCGACAT[GA>G]ACCATGTCAGTACGGGCTGATGAACAATTTCCAGGTTTGAAGCAAAATTCAAAAATGTTC-3'

ClinVar aggregate classification (germline): Pathogenic (1 of 4 stars; one submission).

Submission:

Labcorp Genetics (formerly Invitae), Labcorp
Classification: Pathogenic. Last evaluated: 2023-09-15. Review status: criteria provided, single submitter. Criteria: Invitae Variant Classification Sherloc (09022015). Collection method: clinical testing. Allele origin: germline.
Comment: This sequence change creates a premature translational stop signal (p.Glu473Aspfs*7) in the SLC12A1 gene. It is expected to result in an absent or disrupted protein product. Loss-of-function variants in SLC12A1 are known to be pathogenic (PMID: 8640224, 9585600, 19096086). For these reasons, this variant has been classified as Pathogenic. This variant has not been reported in the literature in individuals affected with SLC12A1-related conditions. This variant is not present in population databases (gnomAD no frequency).

Literature cited by the submitters: PubMed 8640224; PubMed 9585600; PubMed 19096086.